The following is an entry in ClinVar:

NM_001393797.1(ABCC12):c.3750C>T (p.Val1250=)

Gene: ABCC12 (ATP binding cassette subfamily C member 12; minus strand). Cytogenetic location: 16q12.1.
Variant type: single nucleotide variant.
Coding change: c.3750C>T on transcript NM_001393797.1 (MANE Select); coding-DNA position 3750, C replaced by T.
Protein change: p.Val1250=; no amino-acid change (valine 1250 retained).
Molecular consequence: synonymous variant. On other transcripts: non-coding transcript variant (8).
Genome position (GRCh38, 1-based): chr16:48,085,671, G>A on the plus strand (C>T on the coding strand, the complement: ABCC12 is on the minus strand). VCF-style: chr16-48085671-G-A. GRCh37 (hg19) VCF-style: chr16-48119582-G-A.
Other names: c.279C>T, p.Val93= (NM_001393798.1); c.372C>T, p.Val124= (NM_001393799.1); c.3750C>T, p.Val1250= (NM_033226.3).
Identifiers: ClinVar variation 4979218 (VCV004979218.1).
Genomic context (GRCh38, chr16:48,085,671, plus strand): 5'-AGCTCGGGCCACACAAAGCAGCTGACGTTCCCCTACTGAGAAGTTTTCTCCATTTTCTGT[G>A]ACTTCTGCCTGTAATTTTTCTGGGAGTTTCATTATCTACAAAACACAAAAAATGCCACAT-3'
Protein context (NP_001380726.1, residues 1240-1260): MKLPEKLQAE[Val1250=]TENGENFSVG

ClinVar aggregate classification (germline): Likely benign (1 of 4 stars; one submission).

Conditions:
ABCC12-related condition.

gnomAD v4.1: 25 of 1,614,078 alleles (0.0015%); highest among the groups gnomAD compares: Non-Finnish European, 0.0019%; no homozygotes.

Submission:

PreventionGenetics, part of Exact Sciences
Classification: Likely benign for ABCC12-related condition. Last evaluated: 2026-09-12. Review status: criteria provided, single submitter. Criteria: ACMG Guidelines, 2015. Collection method: clinical testing. Allele origin: germline.
Comment: This variant is classified as likely benign based on ACMG/AMP sequence variant interpretation guidelines (Richards et al. 2015 PMID: 25741868, with internal and published modifications).